The following is an entry in ClinVar:

NM_000156.6(GAMT):c.7G>T (p.Ala3Ser)

Genes: GAMT (guanidinoacetate N-methyltransferase; minus strand), LOC130062945 (ATAC-STARR-seq lymphoblastoid silent region 9707; plus strand). Cytogenetic location: 19p13.3.
Variant type: single nucleotide variant.
Coding change: c.7G>T on transcript NM_000156.6 (MANE Select); coding-DNA position 7, G replaced by T.
Protein change: p.Ala3Ser; replaces alanine 3 with serine.
Molecular consequence: missense variant.
Genome position (GRCh38, 1-based): chr19:1,401,470, C>A on the plus strand (G>T on the coding strand, the complement: GAMT is on the minus strand). VCF-style: chr19-1401470-C-A. GRCh37 (hg19) VCF-style: chr19-1401469-C-A.
Other names: p.A3S:GCC>TCC; c.7G>T, p.Ala3Ser (NM_138924.3); short protein forms A3S.
Identifiers: ClinVar variation 205575 (VCV000205575.1), dbSNP rs574164748, ClinGen allele CA314794.
Genomic context (GRCh38, chr19:1,401,470, plus strand): 5'-CCGCCCCCCACGCGGGGCTGCAGTTCTCGCCGGGCGCGAAGATGGGGGTCGCGCTGGGGG[C>A]GCTCATGCTGCAGGCTGGACGGCGACCCGACCTCGATCGCGCGCCGCCCGGGCCCGCTCC-3'
Protein context (NP_000147.1, residues 1-13): MS[Ala3Ser]PSATPIFAPG

ClinVar aggregate classification (germline): Likely benign (1 of 4 stars; one submission).

Submission:

GeneDx
Classification: Likely benign. Last evaluated: 2013-08-08. Review status: criteria provided, single submitter. Criteria: GeneDx Variant Classification (06012015). Collection method: clinical testing. Allele origin: germline. Affected: yes.
Comment: This variant is considered likely benign or benign based on one or more of the following criteria: it is a conservative change, it occurs at a poorly conserved position in the protein, it is predicted to be benign by multiple in silico algorithms, and/or has population frequency not consistent with disease.